The following is an entry in ClinVar:

NM_000531.6(OTC):c.269G>A (p.Ser90Asn)

Gene: OTC (ornithine transcarbamylase; plus strand). Cytogenetic location: Xp11.4.
Variant type: single nucleotide variant.
Coding change: c.269G>A on transcript NM_000531.6 (MANE Select); coding-DNA position 269, G replaced by A.
Protein change: p.Ser90Asn; replaces serine 90 with asparagine.
Molecular consequence: missense variant.
Genome position (GRCh38, 1-based): chrX:38,369,848, G>A. VCF-style: chrX-38369848-G-A. GRCh37 (hg19) VCF-style: chrX-38229101-G-A.
Other names: short protein forms S90N.
Identifiers: ClinVar variation 97147 (VCV000097147.2), dbSNP rs72554341, ClinGen allele CA224524.

ClinVar aggregate classification (germline): Pathogenic (0 of 4 stars; one submission).

Submission:

GenMed Metabolism Lab
Classification: Pathogenic. Review status: no assertion criteria provided. Collection method: not provided. Allele origin: unknown.
Comment: p.Ser90Asn, Neonatal
ClinVar note: Converted during submission from pathogenic to Pathogenic.